The following is an entry in ClinVar:

NM_004937.3(CTNS):c.853-1G>A

Gene: CTNS (cystinosin, lysosomal cystine transporter; plus strand). Cytogenetic location: 17p13.2.
Variant type: single nucleotide variant.
Coding change: c.853-1G>A on transcript NM_004937.3 (MANE Select); the canonical splice acceptor site of the intron before coding-DNA position 853, G replaced by A.
Molecular consequence: splice acceptor variant.
Genome position (GRCh38, 1-based): chr17:3,659,857, G>A. VCF-style: chr17-3659857-G-A. GRCh37 (hg19) VCF-style: chr17-3563151-G-A.
Other names: c.853-1G>A (NM_001031681.3, NM_001374492.1); c.412-1G>A (NM_001374493.1, NM_001374495.1, NM_001374494.1 and 1 more transcripts).
Identifiers: ClinVar variation 557791 (VCV000557791.5), dbSNP rs1555564588, ClinGen allele CA397692898.

ClinVar aggregate classification (germline): Likely pathogenic. Review status: criteria provided, single submitter (1 of 4 stars). 2 submissions from 2 submitters: Likely pathogenic (1). 1 of the submissions does not count toward it. Last evaluated 2023-04-09.

Conditions:
Juvenile nephropathic cystinosis. Also called: Intermediate Cystinosis; Later-Onset (Juvenile) Cystinosis; CYSTINOSIS, LATE-ONSET JUVENILE OR ADOLESCENT NEPHROPATHIC TYPE. Identifiers: Orphanet 213, Orphanet 411634, MedGen C0268626, MONDO:0009066, OMIM 219900.
Inborn genetic diseases. Identifiers: MedGen C0950123, MeSH D030342.
Ocular cystinosis. Also called: Non-Nephropathic Cystinosis; Non-Nephropathic (Ocular) Cystinosis. Identifiers: Orphanet 213, Orphanet 411641, MedGen C2931013, MONDO:0009064, OMIM 219750.
Nephropathic cystinosis (CTNS). Also called: CYSTINOSIN, DEFECT OF; LYSOSOMAL CYSTINE TRANSPORT PROTEIN, DEFECT OF; Abderhalden Lignac Kaufmann disease; Abderhalden-Kaufmann-Lignac syndrome. Identifiers: Orphanet 213, Orphanet 411629, MedGen C2931187, MONDO:0100151, OMIM 219800.

Submissions (2):

Labcorp Genetics (formerly Invitae), Labcorp
Classification: Likely pathogenic for Inborn genetic diseases; Ocular cystinosis; Juvenile nephropathic cystinosis. Last evaluated: 2023-04-09. Review status: criteria provided, single submitter. Criteria: Invitae Variant Classification Sherloc (09022015). Collection method: clinical testing. Allele origin: germline.
Comment: In summary, the currently available evidence indicates that the variant is pathogenic, but additional data are needed to prove that conclusively. Therefore, this variant has been classified as Likely Pathogenic. ClinVar contains an entry for this variant (Variation ID: 557791). A splice variant(s) at this position has also been reported as 1192-2A>G. Disruption of this splice site has been observed in individual(s) with cystinosis (PMID: 12442267, 28793998, 29421779). This variant is not present in population databases (gnomAD no frequency). This sequence change affects an acceptor splice site in intron 10 of the CTNS gene. It is expected to disrupt RNA splicing. Variants that disrupt the donor or acceptor splice site typically lead to a loss of protein function (PMID: 16199547), and loss-of-function variants in CTNS are known to be pathogenic (PMID: 9537412, 27102039). Studies have shown that disruption of this splice site is associated with altered splicing resulting in multiple RNA products (PMID: 12442267).

Counsyl
Classification: Likely pathogenic for Nephropathic cystinosis. Last evaluated: 2018-05-25. Review status: no assertion criteria provided. Collection method: clinical testing. Allele origin: unknown. Not counted in ClinVar's aggregate classification.

Literature cited by the submitters: PubMed 12442267 (cited by Labcorp Genetics (formerly Invitae), Labcorp); PubMed 28793998 (cited by Labcorp Genetics (formerly Invitae), Labcorp); PubMed 29421779 (cited by Labcorp Genetics (formerly Invitae), Labcorp and Counsyl); PubMed 16199547 (cited by Labcorp Genetics (formerly Invitae), Labcorp); PubMed 9537412 (cited by Labcorp Genetics (formerly Invitae), Labcorp); PubMed 27102039 (cited by Labcorp Genetics (formerly Invitae), Labcorp).